The following is an entry in ClinVar:

NM_006949.4(STXBP2):c.1356+4C>T

Gene: STXBP2 (syntaxin binding protein 2; plus strand). Cytogenetic location: 19p13.2.
Variant type: single nucleotide variant.
Coding change: c.1356+4C>T on transcript NM_006949.4 (MANE Select); 4 bases into the intron after coding-DNA position 1356, C replaced by T.
Molecular consequence: intron variant.
Genome position (GRCh38, 1-based): chr19:7,645,310, C>T. VCF-style: chr19-7645310-C-T. GRCh37 (hg19) VCF-style: chr19-7710196-C-T.
Other names: c.1389+4C>T (NM_001272034.2); c.1347+4C>T (NM_001127396.3).
Identifiers: ClinVar variation 1060581 (VCV001060581.5), dbSNP rs369000333, ClinGen allele CA9144095.

ClinVar aggregate classification (germline): Conflicting classifications of pathogenicity. Review status: criteria provided, conflicting classifications (1 of 4 stars). 2 submissions from 2 submitters: Uncertain significance (1); Likely benign (1). Last evaluated 2024-02-07.

Conditions:
Familial hemophagocytic lymphohistiocytosis 5. Also called: STXBP2-Related Familial Hemophagocytic Lymphohistiocytosis (STXBP2-fHLH). Identifiers: Orphanet 540, MedGen C2751293, MONDO:0013135, OMIM 613101.

Allele frequency attached by ClinVar (database versions not stated): gnomAD 0.00004; TOPMed 0.00004; ESP Exome Variant Server 0.00008.
gnomAD v4.1: 34 of 1,576,118 alleles (0.0022%); highest among the groups gnomAD compares: South Asian, 0.0093%; no homozygotes.

Submissions (2):

Blueprint Genetics
Classification: Likely benign. Last evaluated: 2024-02-07. Review status: criteria provided, single submitter. Criteria: ACMG Guidelines, 2015. Collection method: clinical testing. Allele origin: germline.

Labcorp Genetics (formerly Invitae), Labcorp
Classification: Uncertain significance for Familial hemophagocytic lymphohistiocytosis 5. Last evaluated: 2022-02-09. Review status: criteria provided, single submitter. Criteria: Invitae Variant Classification Sherloc (09022015). Collection method: clinical testing. Allele origin: germline.
Comment: This sequence change falls in intron 15 of the STXBP2 gene. It does not directly change the encoded amino acid sequence of the STXBP2 protein. It affects a nucleotide within the consensus splice site. The frequency data for this variant in the population databases is considered unreliable, as metrics indicate poor data quality at this position in the gnomAD database. This variant has not been reported in the literature in individuals affected with STXBP2-related conditions. ClinVar contains an entry for this variant (Variation ID: 1060581). Variants that disrupt the consensus splice site are a relatively common cause of aberrant splicing (PMID: 17576681, 9536098). Algorithms developed to predict the effect of sequence changes on RNA splicing suggest that this variant is not likely to affect RNA splicing. In summary, the available evidence is currently insufficient to determine the role of this variant in disease. Therefore, it has been classified as a Variant of Uncertain Significance.

Literature cited by the submitters: PubMed 17576681 (cited by Labcorp Genetics (formerly Invitae), Labcorp); PubMed 9536098 (cited by Labcorp Genetics (formerly Invitae), Labcorp).